The following is an entry in ClinVar:

ClinVar aggregate classification (germline): Pathogenic (1 of 4 stars; one submission).

Conditions:
Primary ciliary dyskinesia 3. Identifiers: Orphanet 244, MedGen C1837618, MONDO:0012085, OMIM 608644.

Submission:

Myriad Genetics, Inc.
Classification: Pathogenic for Primary ciliary dyskinesia 3. Last evaluated: 2024-03-15. Review status: criteria provided, single submitter. Criteria: Myriad Autosomal Dominant, Autosomal Recessive and X-Linked Classification Criteria (2023). Collection method: clinical testing. Allele origin: unknown.
Comment: NM_001369.2(DNAH5):c.6210_6213delTGTG(N2070Kfs*3) is expected to be pathogenic in the context of primary ciliary dyskinesia, DNAH5-related. This variant is predicted to lead to an abnormal or absent protein product due to the creation of a premature termination codon in DNAH5, a gene where loss-of-function variants are known to be pathogenic. Please note: this variant was assessed in the context of healthy population screening.

NM_001369.3(DNAH5):c.6210_6213del (p.Asn2070fs)

Gene: DNAH5 (dynein axonemal heavy chain 5; minus strand). Cytogenetic location: 5p15.2.
Variant type: Deletion.
Coding change: c.6210_6213del on transcript NM_001369.3 (MANE Select); coding-DNA positions 6210 to 6213, 4 bases deleted (TGTG; older notation c.6210_6213delTGTG).
Protein change: p.Asn2070fs; shifts the reading frame from asparagine 2070.
Molecular consequence: frameshift variant.
Genome position (GRCh38, 1-based): chr5:13,830,062-13,830,065, CACA deleted on the plus strand (TGTG on the coding strand, the reverse complement: DNAH5 is on the minus strand). VCF-style (leftmost placement, unchanged base first): chr5-13830061-TCACA-T. GRCh37 (hg19) VCF-style: chr5-13830170-TCACA-T.
Other names: short protein forms N2070fs.
Identifiers: ClinVar variation 5012824 (VCV005012824.1).